The following is an entry in ClinVar:

ClinVar aggregate classification (germline): Pathogenic/Likely pathogenic. Review status: criteria provided, multiple submitters, no conflicts (2 of 4 stars). 2 submissions from 2 submitters: Pathogenic (1); Likely pathogenic (1). Last evaluated 2024-01-10.

Conditions:
Cerebrooculofacioskeletal syndrome 2 (COFS2). Identifiers: MedGen C1853102, MONDO:0012553, OMIM 610756.

Submissions (2):

Baylor Genetics
Classification: Pathogenic for Cerebrooculofacioskeletal syndrome 2. Last evaluated: 2024-01-10. Review status: criteria provided, single submitter. Criteria: ACMG Guidelines, 2015. Collection method: clinical testing. Allele origin: unknown.

Labcorp Genetics (formerly Invitae), Labcorp
Classification: Likely pathogenic. Last evaluated: 2022-09-23. Review status: criteria provided, single submitter. Criteria: Invitae Variant Classification Sherloc (09022015). Collection method: clinical testing. Allele origin: germline.
Comment: In summary, the currently available evidence indicates that the variant is pathogenic, but additional data are needed to prove that conclusively. Therefore, this variant has been classified as Likely Pathogenic. Algorithms developed to predict the effect of sequence changes on RNA splicing suggest that this variant may disrupt the consensus splice site. Disruption of this splice site has been observed in individual(s) with trichothiodystrophy (PMID: 23232694). This variant is not present in population databases (gnomAD no frequency). This sequence change affects an acceptor splice site in intron 14 of the ERCC2 gene. It is expected to disrupt RNA splicing. Variants that disrupt the donor or acceptor splice site typically lead to a loss of protein function (PMID: 16199547), and loss-of-function variants in ERCC2 are known to be pathogenic (PMID: 9238033, 11335038, 19085937, 19934020).

Literature cited by the submitters: PubMed 23232694 (cited by Labcorp Genetics (formerly Invitae), Labcorp); PubMed 16199547 (cited by Labcorp Genetics (formerly Invitae), Labcorp); PubMed 9238033 (cited by Labcorp Genetics (formerly Invitae), Labcorp); PubMed 11335038 (cited by Labcorp Genetics (formerly Invitae), Labcorp); PubMed 19085937 (cited by Labcorp Genetics (formerly Invitae), Labcorp); PubMed 19934020 (cited by Labcorp Genetics (formerly Invitae), Labcorp).

NM_000400.4(ERCC2):c.1378-1G>T

Gene: ERCC2 (ERCC excision repair 2, TFIIH core complex helicase subunit; minus strand). Cytogenetic location: 19q13.32.
Variant type: single nucleotide variant.
Coding change: c.1378-1G>T on transcript NM_000400.4 (MANE Select); the canonical splice acceptor site of the intron before coding-DNA position 1378, G replaced by T.
Molecular consequence: splice acceptor variant.
Genome position (GRCh38, 1-based): chr19:45,357,372, C>A on the plus strand (G>T on the coding strand, the complement: ERCC2 is on the minus strand). VCF-style: chr19-45357372-C-A. GRCh37 (hg19) VCF-style: chr19-45860630-C-A.
Identifiers: ClinVar variation 2138307 (VCV002138307.5), dbSNP rs2514012707, ClinGen allele CA406367312.